The following is an entry in ClinVar:

ClinVar aggregate classification (germline): Pathogenic. Review status: criteria provided, single submitter (1 of 4 stars). 2 submissions from 2 submitters: Pathogenic (1). 1 of the submissions does not count toward it. Last evaluated 2023-12-29.

Conditions:
Tay-Sachs disease (TSD). Also called: HEXA DEFICIENCY; Hexosaminidase A Deficiency; HEXA Disorders; GM2 gangliosidosis, type 1; Hexosaminidase alpha-subunit deficiency (variant B); Sphingolipidosis, Tay-Sachs. Identifiers: Orphanet 845, MedGen C0039373, MONDO:0010100, OMIM 272800.

Submissions (2):

Labcorp Genetics (formerly Invitae), Labcorp
Classification: Pathogenic for Tay-Sachs disease. Last evaluated: 2023-12-29. Review status: criteria provided, single submitter. Criteria: Invitae Variant Classification Sherloc (09022015). Collection method: clinical testing. Allele origin: germline.
Comment: This sequence change creates a premature translational stop signal (p.Glu160Aspfs*2) in the HEXA gene. It is expected to result in an absent or disrupted protein product. Loss-of-function variants in HEXA are known to be pathogenic (PMID: 1833974, 8490625). This variant is not present in population databases (gnomAD no frequency). This premature translational stop signal has been observed in individual(s) with Tay- Sachs disease (PMID: 1833974). ClinVar contains an entry for this variant (Variation ID: 3910). For these reasons, this variant has been classified as Pathogenic.

OMIM
Classification: Pathogenic for TAY-SACHS DISEASE. Last evaluated: 1991-11-01. Review status: no assertion criteria provided. Collection method: literature only. Allele origin: germline. Not counted in ClinVar's aggregate classification.

Literature cited by the submitters: PubMed 1833974 (cited by Labcorp Genetics (formerly Invitae), Labcorp and OMIM); PubMed 8490625 (cited by Labcorp Genetics (formerly Invitae), Labcorp).

NM_000520.6(HEXA):c.477_478del (p.Glu160fs)

Gene: HEXA (hexosaminidase subunit alpha; minus strand). Cytogenetic location: 15q23.
Variant type: Deletion.
Coding change: c.477_478del on transcript NM_000520.6 (MANE Select); coding-DNA positions 477 to 478, 2 bases deleted (TG; older notation c.477_478delTG).
Protein change: p.Glu160fs; shifts the reading frame from glutamic acid 160.
Molecular consequence: frameshift variant. On other transcripts: non-coding transcript variant (1).
Genome position (GRCh38, 1-based): chr15:72,353,160-72,353,161, CA deleted on the plus strand (TG on the coding strand, the reverse complement: HEXA is on the minus strand). VCF-style (leftmost placement, unchanged base first): chr15-72353159-TCA-T. GRCh37 (hg19) VCF-style: chr15-72645500-TCA-T.
Other names: c.510_511del, p.Glu171fs (NM_001318825.2); short protein forms E160fs, E171fs.
Identifiers: ClinVar variation 3910 (VCV000003910.174), dbSNP rs2542532770, ClinGen allele CA2580089972.
Genomic context (GRCh38, chr15:72,353,159, plus strand): 5'-TAATGGCGAGATGTATCCAACAGCAAGCCCCGGTGAGGAAAGCGGGGAAAGTCCTCAATC[TCA>T]GTCTTGTTGATAAAGAACTGTGCAGAACAAACATTGAACATGTCAGTTTCAAAGGAAGCT-3'